The following is an entry in ClinVar:

ClinVar aggregate classification (germline): Benign/Likely benign. Review status: criteria provided, multiple submitters, no conflicts (2 of 4 stars). 5 submissions from 5 submitters: Benign (2); Likely benign (3). Last evaluated 2025-11-09.

Conditions:
Cardiovascular phenotype. Identifiers: MedGen CN230736.
Hypertrophic cardiomyopathy 14. Identifiers: MedGen C2750467, MONDO:0013197, OMIM 613251.
Cardiomyopathy (CMYO). Also called: Cardiomyopathies. Identifiers: Orphanet 167848, MedGen C0878544, MONDO:0004994, HP:0001638. Inheritance: Various modes of inheritance.
MYH6-related disorder. Also called: MYH6-Related Disorders; MYH6-related condition.

Allele frequency attached by ClinVar (database versions not stated): gnomAD below 0.00001 and 0.00002; TOPMed below 0.00001; gnomAD exomes 0.00006 and 0.00023; 1000 Genomes Project 30x 0.00031; ExAC 0.00033; 1000 Genomes Project 0.00040.
gnomAD v4.1: 101 of 1,612,340 alleles (0.0063%); highest among the groups gnomAD compares: South Asian, 0.1%; no homozygotes.

Submissions (5):

Labcorp Genetics (formerly Invitae), Labcorp
Classification: Benign for Hypertrophic cardiomyopathy 14. Last evaluated: 2025-11-09. Review status: criteria provided, single submitter. Criteria: Invitae Variant Classification Sherloc (09022015). Collection method: clinical testing. Allele origin: germline.

PreventionGenetics, part of Exact Sciences
Classification: Likely benign for MYH6-related condition. Last evaluated: 2025-10-23. Review status: criteria provided, single submitter. Criteria: ACMG Guidelines, 2015. Collection method: clinical testing. Allele origin: germline.
Comment: This variant is classified as likely benign based on ACMG/AMP sequence variant interpretation guidelines (Richards et al. 2015 PMID: 25741868, with internal and published modifications).

Ambry Genetics
Classification: Likely benign for Cardiovascular phenotype. Last evaluated: 2025-01-19. Review status: criteria provided, single submitter. Criteria: Ambry Variant Classification Scheme 2023. Collection method: clinical testing. Allele origin: germline.

Blueprint Genetics
Classification: Likely benign. Last evaluated: 2024-11-01. Review status: criteria provided, single submitter. Criteria: ACMG Guidelines, 2015. Collection method: clinical testing. Allele origin: germline.

CHEO Genetics Diagnostic Laboratory, Children's Hospital of Eastern Ontario
Classification: Benign for Cardiomyopathy. Last evaluated: 2018-07-30. Review status: criteria provided, single submitter. Criteria: ACMG Guidelines, 2015. Collection method: clinical testing. Allele origin: germline.

NM_002471.4(MYH6):c.4683C>T (p.Leu1561=)

Genes: MYH6 (myosin heavy chain 6; minus strand), LOC126861896 (BRD4-independent group 4 enhancer GRCh37_chr14:23854904-23856103; plus strand). Cytogenetic location: 14q11.2.
Variant type: single nucleotide variant.
Coding change: c.4683C>T on transcript NM_002471.4 (MANE Select); coding-DNA position 4683, C replaced by T.
Protein change: p.Leu1561=; no amino-acid change (leucine 1561 retained).
Molecular consequence: synonymous variant.
Genome position (GRCh38, 1-based): chr14:23,386,591, G>A on the plus strand (C>T on the coding strand, the complement: MYH6 is on the minus strand). VCF-style: chr14-23386591-G-A. GRCh37 (hg19) VCF-style: chr14-23855800-G-A.
Identifiers: ClinVar variation 915791 (VCV000915791.14), dbSNP rs559319718, ClinGen allele CA7114665.